The following is an entry in ClinVar:

ClinVar aggregate classification (germline): Uncertain significance (1 of 4 stars; one submission).

Conditions:
Left ventricular noncompaction 8 (LVNC8). Identifiers: Orphanet 154, Orphanet 54260, MedGen C3809288, MONDO:0014152, OMIM 615373.

Submission:

Labcorp Genetics (formerly Invitae), Labcorp
Classification: Uncertain significance for Left ventricular noncompaction 8. Last evaluated: 2019-12-20. Review status: criteria provided, single submitter. Criteria: Invitae Variant Classification Sherloc (09022015). Collection method: clinical testing. Allele origin: germline.
Comment: This sequence change replaces glutamine with histidine at codon 923 of the PRDM16 protein (p.Gln923His). The glutamine residue is highly conserved and there is a small physicochemical difference between glutamine and histidine. This variant is not present in population databases (ExAC no frequency). This variant has not been reported in the literature in individuals with PRDM16-related conditions. Algorithms developed to predict the effect of missense changes on protein structure and function are either unavailable or do not agree on the potential impact of this missense change (SIFT: "Deleterious"; PolyPhen-2: "Benign"; Align-GVGD: "Class C15"). In summary, the available evidence is currently insufficient to determine the role of this variant in disease. Therefore, it has been classified as a Variant of Uncertain Significance.

NM_022114.4(PRDM16):c.2769G>T (p.Gln923His)

Gene: PRDM16 (PR/SET domain 16; plus strand). Cytogenetic location: 1p36.32.
Variant type: single nucleotide variant.
Coding change: c.2769G>T on transcript NM_022114.4 (MANE Select); coding-DNA position 2769, G replaced by T.
Protein change: p.Gln923His; replaces glutamine 923 with histidine.
Molecular consequence: missense variant.
Genome position (GRCh38, 1-based): chr1:3,417,905, G>T. VCF-style: chr1-3417905-G-T. GRCh37 (hg19) VCF-style: chr1-3334469-G-T.
Other names: c.2769G>T, p.Gln923His (NM_199454.3); short protein forms Q923H.
Identifiers: ClinVar variation 838294 (VCV000838294.1), dbSNP rs771212094, ClinGen allele CA338001476.
Genomic context (GRCh38, chr1:3,417,905, plus strand): 5'-CATGACAGAGAAGCTGGAGAGCTTTGCAGCCATGAAGGCGGACTCGGGCAGCTCCCTGCA[G>T]CCCCTCCCCCACCACCCCTTCAACTTCCGGTCCCCACCCCCAACGCTCTCCGACCCCATC-3'
Protein context (NP_071397.3, residues 913-933): AMKADSGSSL[Gln923His]PLPHHPFNFR